The following is an entry in ClinVar:

NM_014425.5(INVS):c.3085A>G (p.Asn1029Asp)

Gene: INVS (inversin; plus strand). Cytogenetic location: 9q31.1.
Variant type: single nucleotide variant.
Coding change: c.3085A>G on transcript NM_014425.5 (MANE Select); coding-DNA position 3085, A replaced by G.
Protein change: p.Asn1029Asp; replaces asparagine 1029 with aspartic acid.
Molecular consequence: missense variant. On other transcripts: non-coding transcript variant (1).
Genome position (GRCh38, 1-based): chr9:100,298,004, A>G. VCF-style: chr9-100298004-A-G. GRCh37 (hg19) VCF-style: chr9-103060286-A-G.
Other names: c.2797A>G, p.Asn933Asp (NM_001318381.2); c.2107A>G, p.Asn703Asp (NM_001318382.2); short protein forms N703D, N933D, N1029D.
Identifiers: ClinVar variation 2886528 (VCV002886528.3), dbSNP rs1209163748, ClinGen allele CA374245606.

ClinVar aggregate classification (germline): Uncertain significance (1 of 4 stars; one submission).

Conditions:
Nephronophthisis. Also called: Juvenile Nephronophthisis. Identifiers: Orphanet 655, MedGen C0687120, MONDO:0019005, HP:0000090.

Allele frequency attached by ClinVar (database versions not stated): gnomAD exomes below 0.00001; TOPMed below 0.00001.
gnomAD v4.1: 4 of 1,614,134 alleles (0.00025%); highest among the groups gnomAD compares: East Asian, 0.0089%; no homozygotes.

Submission:

Labcorp Genetics (formerly Invitae), Labcorp
Classification: Uncertain significance for Nephronophthisis. Last evaluated: 2024-03-23. Review status: criteria provided, single submitter. Criteria: Invitae Variant Classification Sherloc (09022015). Collection method: clinical testing. Allele origin: germline.
Comment: This sequence change replaces asparagine, which is neutral and polar, with aspartic acid, which is acidic and polar, at codon 1029 of the INVS protein (p.Asn1029Asp). This variant is present in population databases (no rsID available, gnomAD 0.01%). This variant has not been reported in the literature in individuals affected with INVS-related conditions. An algorithm developed to predict the effect of missense changes on protein structure and function (PolyPhen-2) suggests that this variant is likely to be tolerated. In summary, the available evidence is currently insufficient to determine the role of this variant in disease. Therefore, it has been classified as a Variant of Uncertain Significance.